The following is an entry in ClinVar:

ClinVar aggregate classification (germline): Benign/Likely benign. Review status: criteria provided, multiple submitters, no conflicts (2 of 4 stars). 2 submissions from 2 submitters: Benign (1); Likely benign (1). Last evaluated 2025-01-15.

Conditions:
Familial cancer of breast. Also called: hereditary breast carcinoma; BREAST CANCER, FAMILIAL; Hereditary breast cancer. Identifiers: Orphanet 227535, MedGen C0346153, MONDO:0016419, OMIM 114480. Disease mechanism: loss of function.

Submissions (2):

Myriad Genetics, Inc.
Classification: Benign for Familial cancer of breast. Last evaluated: 2025-01-15. Review status: criteria provided, single submitter. Criteria: Myriad Autosomal Dominant, Autosomal Recessive and X-Linked Classification Criteria (2023). Collection method: clinical testing. Allele origin: unknown.
Comment: This variant is considered benign. This variant is a silent/synonymous amino acid change and it is not expected to impact splicing.

Labcorp Genetics (formerly Invitae), Labcorp
Classification: Likely benign for Familial cancer of breast. Last evaluated: 2018-12-14. Review status: criteria provided, single submitter. Criteria: Invitae Variant Classification Sherloc (09022015). Collection method: clinical testing. Allele origin: germline.

NM_024675.4(PALB2):c.2040A>C (p.Gly680=)

Gene: PALB2 (partner and localizer of BRCA2; minus strand). Cytogenetic location: 16p12.2.
Variant type: single nucleotide variant.
Coding change: c.2040A>C on transcript NM_024675.4 (MANE Select); coding-DNA position 2040, A replaced by C.
Protein change: p.Gly680=; no amino-acid change (glycine 680 retained).
Molecular consequence: synonymous variant.
Genome position (GRCh38, 1-based): chr16:23,630,114, T>G on the plus strand (A>C on the coding strand, the complement: PALB2 is on the minus strand). VCF-style: chr16-23630114-T-G. GRCh37 (hg19) VCF-style: chr16-23641435-T-G.
Identifiers: ClinVar variation 798975 (VCV000798975.12), dbSNP rs1597090358, ClinGen allele CA494461047.